The following is an entry in ClinVar:

ClinVar aggregate classification (germline): Uncertain significance. Review status: criteria provided, multiple submitters, no conflicts (2 of 4 stars). 2 submissions from 2 submitters: Uncertain significance (2). Last evaluated 2025-11-04.

Conditions:
Hereditary cancer-predisposing syndrome. Also called: Neoplastic Syndromes, Hereditary; Tumor predisposition; Hereditary neoplastic syndrome; Hereditary Cancer Syndrome. Identifiers: Orphanet 140162, MedGen C0027672, MeSH D009386, MONDO:0015356.
Cardiovascular phenotype. Identifiers: MedGen CN230736.

Submissions (2):

Ambry Genetics
Classification: Uncertain significance for Cardiovascular phenotype; Hereditary cancer-predisposing syndrome. Last evaluated: 2025-11-04. Review status: criteria provided, single submitter. Criteria: Ambry Variant Classification Scheme 2023. Collection method: clinical testing. Allele origin: germline.
Comment: The p.C598R variant (also known as c.1792T>C), located in coding exon 16 of the LZTR1 gene, results from a T to C substitution at nucleotide position 1792. The cysteine at codon 598 is replaced by arginine, an amino acid with highly dissimilar properties. This variant has been reported in a patient with schwannomatosis; however, the patient also appeared to be mosaic for an NF2 truncation (Kehrer-Sawatzki H et al. Hum Genet, 2018 Jul;137:543-552). This amino acid position is highly conserved in available vertebrate species. In addition, this alteration is predicted to be deleterious by in silico analysis. Based on the available evidence, the clinical significance of this variant remains unclear.

Labcorp Genetics (formerly Invitae), Labcorp
Classification: Uncertain significance. Last evaluated: 2025-06-22. Review status: criteria provided, single submitter. Criteria: Invitae Variant Classification Sherloc (09022015). Collection method: clinical testing. Allele origin: germline.
Comment: This sequence change replaces cysteine, which is neutral and slightly polar, with arginine, which is basic and polar, at codon 598 of the LZTR1 protein (p.Cys598Arg). This variant is not present in population databases (gnomAD no frequency). This missense change has been observed in individual(s) with schwannomatosis (PMID: 30006736). ClinVar contains an entry for this variant (Variation ID: 3238134). Invitae Evidence Modeling of protein sequence and biophysical properties (such as structural, functional, and spatial information, amino acid conservation, physicochemical variation, residue mobility, and thermodynamic stability) indicates that this missense variant is not expected to disrupt LZTR1 protein function with a negative predictive value of 80%. In summary, the available evidence is currently insufficient to determine the role of this variant in disease. Therefore, it has been classified as a Variant of Uncertain Significance.

Literature cited by the submitters: PubMed 30006736 (cited by Ambry Genetics and Labcorp Genetics (formerly Invitae), Labcorp).

NM_006767.4(LZTR1):c.1792T>C (p.Cys598Arg)

Gene: LZTR1 (leucine zipper like post translational regulator 1; plus strand). Cytogenetic location: 22q11.21.
Variant type: single nucleotide variant.
Coding change: c.1792T>C on transcript NM_006767.4 (MANE Select); coding-DNA position 1792, T replaced by C.
Protein change: p.Cys598Arg; replaces cysteine 598 with arginine.
Molecular consequence: missense variant.
Genome position (GRCh38, 1-based): chr22:20,994,876, T>C. VCF-style: chr22-20994876-T-C. GRCh37 (hg19) VCF-style: chr22-21349165-T-C.
Other names: short protein forms C598R.
Identifiers: ClinVar variation 3238134 (VCV003238134.3), dbSNP rs1601722045.